The following is an entry in ClinVar:

ClinVar aggregate classification (germline): Uncertain significance. Review status: criteria provided, multiple submitters, no conflicts (2 of 4 stars). 2 submissions from 2 submitters: Uncertain significance (2). Last evaluated 2023-12-28.

Conditions:
Fanconi anemia complementation group G. Also called: Fanconi anemia group G; FANCG-Related Fanconi Anemia. Identifiers: Orphanet 84, MedGen C3469527, MONDO:0013565, OMIM 614082.

Allele frequency attached by ClinVar (database versions not stated): gnomAD exomes below 0.00001 and 0.00001; ExAC 0.00001; gnomAD 0.00001; TOPMed 0.00001.
gnomAD v4.1: 5 of 1,613,106 alleles (0.00031%); highest among the groups gnomAD compares: African/African-American, 0.0053%; no homozygotes.

Submissions (2):

Fulgent Genetics
Classification: Uncertain significance for Fanconi anemia complementation group G. Last evaluated: 2023-12-28. Review status: criteria provided, single submitter. Criteria: ACMG Guidelines, 2015. Collection method: clinical testing. Allele origin: germline.

St. Jude Molecular Pathology, St. Jude Children's Research Hospital
Classification: Uncertain significance for Fanconi anemia complementation group G. Last evaluated: 2021-12-29. Review status: criteria provided, single submitter. Criteria: St. Jude Assertion Criteria 2020. Collection method: clinical testing. Allele origin: germline.
Comment: The FANCG c.314A>G (p.Glu105Gly) missense change has a maximum subpopulation frequency of 0.0080% in gnomAD v2.1.1 (PM2_supporting). In silico tools are not in agreement about the effect on the gene or protein function and functional studies have not been performed. To our knowledge, this variant has not been reported in individuals with Fanconi anemia. In summary, this variant meets criteria to be classified as of uncertain significance based on the ACMG/AMP criteria: PM2_Supporting.

NM_004629.2(FANCG):c.314A>G (p.Glu105Gly)

Gene: FANCG (FA complementation group G; minus strand). Cytogenetic location: 9p13.3.
Variant type: single nucleotide variant.
Coding change: c.314A>G on transcript NM_004629.2 (MANE Select); coding-DNA position 314, A replaced by G.
Protein change: p.Glu105Gly; replaces glutamic acid 105 with glycine.
Molecular consequence: missense variant.
Genome position (GRCh38, 1-based): chr9:35,078,337, T>C on the plus strand (A>G on the coding strand, the complement: FANCG is on the minus strand). VCF-style: chr9-35078337-T-C. GRCh37 (hg19) VCF-style: chr9-35078334-T-C.
Other names: short protein forms E105G.
Identifiers: ClinVar variation 1691511 (VCV001691511.5), dbSNP rs769048669, ClinGen allele CA5040067.